The following is an entry in ClinVar:

ClinVar aggregate classification (germline): Uncertain significance (1 of 4 stars; one submission).

Conditions:
RFT1-congenital disorder of glycosylation (CDG1N). Also called: CDG In; Congenital disorder of glycosylation type In; RFT1-CDG. Identifiers: Orphanet 244310, MedGen C2677590, MONDO:0012783, OMIM 612015.

Allele frequency attached by ClinVar (database versions not stated): gnomAD exomes 0.00001 and 0.00003; gnomAD 0.00003; TOPMed 0.00003; ExAC 0.00004; ESP Exome Variant Server 0.00008.
gnomAD v4.1: 21 of 1,612,312 alleles (0.0013%); highest among the groups gnomAD compares: Admixed American, 0.01%; no homozygotes.

Submission:

Labcorp Genetics (formerly Invitae), Labcorp
Classification: Uncertain significance for RFT1-congenital disorder of glycosylation. Last evaluated: 2022-08-31. Review status: criteria provided, single submitter. Criteria: Invitae Variant Classification Sherloc (09022015). Collection method: clinical testing. Allele origin: germline.
Comment: In summary, the available evidence is currently insufficient to determine the role of this variant in disease. Therefore, it has been classified as a Variant of Uncertain Significance. Algorithms developed to predict the effect of missense changes on protein structure and function are either unavailable or do not agree on the potential impact of this missense change (SIFT: "Tolerated"; PolyPhen-2: "Possibly Damaging"; Align-GVGD: "Class C0"). ClinVar contains an entry for this variant (Variation ID: 1517465). This missense change has been observed in individual(s) with clinical features of congenital disorder of glycosylation (PMID: 31231135). This variant is present in population databases (rs145175244, gnomAD 0.01%). This sequence change replaces valine, which is neutral and non-polar, with methionine, which is neutral and non-polar, at codon 429 of the RFT1 protein (p.Val429Met).

Literature cited by the submitters: PubMed 31231135.

NM_052859.4(RFT1):c.1285G>A (p.Val429Met)

Gene: RFT1 (RFT1 glycolipid translocator homolog; minus strand). Cytogenetic location: 3p21.1.
Variant type: single nucleotide variant.
Coding change: c.1285G>A on transcript NM_052859.4 (MANE Select); coding-DNA position 1285, G replaced by A.
Protein change: p.Val429Met; replaces valine 429 with methionine.
Molecular consequence: missense variant.
Genome position (GRCh38, 1-based): chr3:53,092,542, C>T on the plus strand (G>A on the coding strand, the complement: RFT1 is on the minus strand). VCF-style: chr3-53092542-C-T. GRCh37 (hg19) VCF-style: chr3-53126558-C-T.
Other names: short protein forms V429M.
Identifiers: ClinVar variation 1517465 (VCV001517465.5), dbSNP rs145175244, ClinGen allele CA2451184.